The following is an entry in ClinVar:

NM_001267550.2(TTN):c.78925T>A (p.Ser26309Thr)

Genes: TTN-AS1 (TTN antisense RNA 1; plus strand), TTN (titin; minus strand). Cytogenetic location: 2q31.2.
Variant type: single nucleotide variant.
Coding change: c.78925T>A on transcript NM_001267550.2 (MANE Select); coding-DNA position 78925, T replaced by A.
Protein change: p.Ser26309Thr; replaces serine 26309 with threonine.
Molecular consequence: missense variant.
Genome position (GRCh38, 1-based): chr2:178,567,207, A>T on the plus strand (T>A on the coding strand, the complement: TTN is on the minus strand). VCF-style: chr2-178567207-A-T. GRCh37 (hg19) VCF-style: chr2-179431934-A-T.
Other names: p.S24668T:TCT>ACT; c.74002T>A, p.Ser24668Thr (NM_001256850.1); c.51730T>A, p.Ser17244Thr (NM_003319.4); c.71221T>A, p.Ser23741Thr (NM_133378.4); c.52105T>A, p.Ser17369Thr (NM_133432.3); c.52306T>A, p.Ser17436Thr (NM_133437.4); short protein forms S24668T, S26309T, S17436T, S23741T, S17244T, S17369T.
Identifiers: ClinVar variation 202890 (VCV000202890.2), dbSNP rs113597171, ClinGen allele CA310602.
Genomic context (GRCh38, chr2:178,567,207, plus strand): 5'-TTTCTCGCTTTTCAACAACATAGTGAGAAATGTCACTGCCACCATCTTGAAGTGGTGGAG[A>T]CCATGTTAAAGAGCATTTTTCAGAAGTGACTCCAGTAACCTGGACTGGCCCTTCTGGAGG-3'
Protein context (NP_001254479.2, residues 26299-26319): VTSEKCSLTW[Ser26309Thr]PPLQDGGSDI

ClinVar aggregate classification (germline): Uncertain significance (1 of 4 stars; one submission).

Allele frequency attached by ClinVar (database versions not stated): gnomAD exomes below 0.00001; TOPMed 0.00001.
gnomAD v4.1: 4 of 1,611,726 alleles (0.00025%); highest among the groups gnomAD compares: African/African-American, 0.004%; no homozygotes.

Submission:

GeneDx
Classification: Uncertain significance. Last evaluated: 2014-02-12. Review status: criteria provided, single submitter. Criteria: GeneDx Variant Classification (06012015). Collection method: clinical testing. Allele origin: germline. Affected: yes.
Comment: Missense variants in the TTN gene are considered 'unclassified' if they are not previously reported in the literature and do not have >1% frequency in the population to be considered a polymorphism. Research indicates that truncating mutations in the TTN gene are expected to account for approximately 25% of familial and 18% of sporadic idiopathic DCM; however, truncating variants in the TTN gene have been reported in approximately 3% of reported control alleles. There has been little investigation into non-truncating variants. (Herman D et al. Truncations of titin causing dilated cardiomyopathy. N Eng J Med 366:619-628, 2012) The variant is found in DCM-CRDM panel(s).